The following is an entry in ClinVar:

NM_001318852.2(MAPK8IP3):c.98C>G (p.Ala33Gly)

Gene: MAPK8IP3 (mitogen-activated protein kinase 8 interacting protein 3; plus strand). Cytogenetic location: 16p13.3.
Variant type: single nucleotide variant.
Coding change: c.98C>G on transcript NM_001318852.2 (MANE Select); coding-DNA position 98, C replaced by G.
Protein change: p.Ala33Gly; replaces alanine 33 with glycine.
Molecular consequence: missense variant.
Genome position (GRCh38, 1-based): chr16:1,706,437, C>G. VCF-style: chr16-1706437-C-G. GRCh37 (hg19) VCF-style: chr16-1756438-C-G.
Other names: c.98C>G, p.Ala33Gly (NM_001040439.2, NM_015133.5); short protein forms A33G.
Identifiers: ClinVar variation 4681917 (VCV004681917.5).

ClinVar aggregate classification (germline): Uncertain significance (1 of 4 stars; one submission).

Submission:

CeGaT Center for Human Genetics Tuebingen
Classification: Uncertain significance. Last evaluated: 2025-12-01. Review status: criteria provided, single submitter. Criteria: CeGaT Center For Human Genetics Tuebingen Variant Classification Criteria Version 2. Collection method: clinical testing. Allele origin: germline. Affected: yes. Observed: 1 variant allele.
Comment: MAPK8IP3: PM2